The following is an entry in ClinVar:

NM_152732.5(RSPH9):c.276G>A (p.Met92Ile)

Gene: RSPH9 (radial spoke head component 9; plus strand). Cytogenetic location: 6p21.1.
Variant type: single nucleotide variant.
Coding change: c.276G>A on transcript NM_152732.5 (MANE Select); coding-DNA position 276, G replaced by A.
Protein change: p.Met92Ile; replaces methionine 92 with isoleucine.
Molecular consequence: missense variant. On other transcripts: non-coding transcript variant (1).
Genome position (GRCh38, 1-based): chr6:43,650,423, G>A. VCF-style: chr6-43650423-G-A. GRCh37 (hg19) VCF-style: chr6-43618160-G-A.
Other names: c.276G>A, p.Met92Ile (NM_001193341.2, NM_001424119.1, NM_001424120.1 and 1 more transcripts); short protein forms M92I.
Identifiers: ClinVar variation 357016 (VCV000357016.19), dbSNP rs147713380, ClinGen allele CA3828266.
Genomic context (GRCh38, chr6:43,650,423, plus strand): 5'-TATTGTTGGCAGCCTGAACTGCACAGAGTGGAGCCTCTTGCCCCCTGCCACAGAGGAGAT[G>A]GTGGCGCAGTCGTCTGTGGTGAAGGGCCGCTTCATGGGGGACCCATCATACGAATATGAA-3'
Protein context (NP_689945.2, residues 82-102): WSLLPPATEE[Met92Ile]VAQSSVVKGR

ClinVar aggregate classification (germline): Uncertain significance. Review status: criteria provided, multiple submitters, no conflicts (2 of 4 stars). 5 submissions from 5 submitters: Uncertain significance (5). Last evaluated 2024-10-04.

Conditions:
Primary ciliary dyskinesia. Also called: Ciliary dyskinesia. Identifiers: Orphanet 244, MedGen C0008780, MONDO:0016575, HP:0012265.
Primary ciliary dyskinesia 12. Also called: CILIARY DYSKINESIA, PRIMARY, 12, WITHOUT SITUS INVERSUS. Identifiers: Orphanet 244, MedGen C2675228, MONDO:0012979, OMIM 612650.

Allele frequency attached by ClinVar (database versions not stated): gnomAD 0.00006 and 0.00007; TOPMed 0.00008; ExAC 0.00009; gnomAD exomes 0.00011 and 0.00012; 1000 Genomes Project 30x 0.00016; 1000 Genomes Project 0.00020.

Submissions (5):

Ambry Genetics
Classification: Uncertain significance for Primary ciliary dyskinesia. Last evaluated: 2024-10-04. Review status: criteria provided, single submitter. Criteria: Ambry Variant Classification Scheme 2023. Collection method: clinical testing. Allele origin: germline.

Blueprint Genetics
Classification: Uncertain significance. Last evaluated: 2024-04-23. Review status: criteria provided, single submitter. Criteria: ACMG Guidelines, 2015. Collection method: clinical testing. Allele origin: germline.

Labcorp Genetics (formerly Invitae), Labcorp
Classification: Uncertain significance for Primary ciliary dyskinesia. Last evaluated: 2022-03-17. Review status: criteria provided, single submitter. Criteria: Invitae Variant Classification Sherloc (09022015). Collection method: clinical testing. Allele origin: germline.
Comment: This sequence change replaces methionine, which is neutral and non-polar, with isoleucine, which is neutral and non-polar, at codon 92 of the RSPH9 protein (p.Met92Ile). This variant is present in population databases (rs147713380, gnomAD 0.02%). This variant has not been reported in the literature in individuals affected with RSPH9-related conditions. ClinVar contains an entry for this variant (Variation ID: 357016). Algorithms developed to predict the effect of missense changes on protein structure and function (SIFT, PolyPhen-2, Align-GVGD) all suggest that this variant is likely to be tolerated. In summary, the available evidence is currently insufficient to determine the role of this variant in disease. Therefore, it has been classified as a Variant of Uncertain Significance.

Eurofins Ntd Llc (ga)
Classification: Uncertain significance. Last evaluated: 2018-04-23. Review status: criteria provided, single submitter. Criteria: EGL ClinVar v180209 classification definitions. Collection method: clinical testing. Allele origin: germline. Observed: 1 variant allele, 1 heterozygote.

Illumina Laboratory Services, Illumina
Classification: Uncertain significance for Primary ciliary dyskinesia 12. Last evaluated: 2018-01-13. Review status: criteria provided, single submitter. Criteria: ICSL Variant Classification Criteria 13 December 2019. Collection method: clinical testing. Allele origin: germline.